The following is an entry in ClinVar:

NM_001037.5(SCN1B):c.5G>T (p.Gly2Val)

Gene: SCN1B (sodium voltage-gated channel beta subunit 1; plus strand). Cytogenetic location: 19q13.11.
Variant type: single nucleotide variant.
Coding change: c.5G>T on transcript NM_001037.5 (MANE Select); coding-DNA position 5, G replaced by T.
Protein change: p.Gly2Val; replaces glycine 2 with valine.
Molecular consequence: missense variant.
Genome position (GRCh38, 1-based): chr19:35,030,825, G>T. VCF-style: chr19-35030825-G-T. GRCh37 (hg19) VCF-style: chr19-35521729-G-T.
Other names: c.5G>T, p.Gly2Val (NM_199037.5); c.5G>T (NM_001037.4); short protein forms G2V.
Identifiers: ClinVar variation 2727503 (VCV002727503.5), dbSNP rs1402221712, ClinGen allele CA405327792.
Genomic context (GRCh38, chr19:35,030,825, plus strand): 5'-GCCCCGCTATTAATACCGGCGGCCCGGGAGGGGGGCGCAGCACGCGCCGCGCAGCCATGG[G>T]GAGGCTGCTGGCCTTAGTGGTCGGCGCGGCACTGGGTGAGTGCGCGGGGGGCGCGCGCGG-3'
Protein context (NP_001028.1, residues 1-12): M[Gly2Val]RLLALVVGAA

ClinVar aggregate classification (germline): Uncertain significance. Review status: criteria provided, multiple submitters, no conflicts (2 of 4 stars). 3 submissions from 3 submitters: Uncertain significance (3). Last evaluated 2024-08-26.

Conditions:
Cardiovascular phenotype. Identifiers: MedGen CN230736.
Brugada syndrome 5 (BRGDA5). Identifiers: Orphanet 130, Orphanet 871, MedGen C2748541, MONDO:0013015, OMIM 612838.

Allele frequency attached by ClinVar (database versions not stated): gnomAD exomes below 0.00001.
gnomAD v4.1: 1 of 1,080,280 alleles (0.000093%); highest among the groups gnomAD compares: Non-Finnish European, 0.00012%; no homozygotes.

Submissions (3):

Ambry Genetics
Classification: Uncertain significance for Cardiovascular phenotype. Last evaluated: 2024-08-26. Review status: criteria provided, single submitter. Criteria: Ambry Variant Classification Scheme 2023. Collection method: clinical testing. Allele origin: germline.
Comment: The p.G2V variant (also known as c.5G>T), located in coding exon 1 of the SCN1B gene, results from a G to T substitution at nucleotide position 5. The glycine at codon 2 is replaced by valine, an amino acid with dissimilar properties. This amino acid position is well conserved in available vertebrate species. In addition, the in silico prediction for this alteration is inconclusive. Based on the available evidence, the clinical significance of this variant remains unclear.

GeneDx
Classification: Uncertain significance. Last evaluated: 2024-07-19. Review status: criteria provided, single submitter. Criteria: GeneDx Variant Classification Process June 2021. Collection method: clinical testing. Allele origin: germline. Affected: yes.
Comment: Not observed at significant frequency in large population cohorts (gnomAD); In silico analysis suggests that this missense variant does not alter protein structure/function, but splice predictors indicate that the variant may lead to abnormal gene splicing; Has not been previously published as pathogenic or benign to our knowledge

Labcorp Genetics (formerly Invitae), Labcorp
Classification: Uncertain significance for Brugada syndrome 5. Last evaluated: 2023-06-18. Review status: criteria provided, single submitter. Criteria: Invitae Variant Classification Sherloc (09022015). Collection method: clinical testing. Allele origin: germline.
Comment: Algorithms developed to predict the effect of sequence changes on RNA splicing suggest that this variant may create or strengthen a splice site. In summary, the available evidence is currently insufficient to determine the role of this variant in disease. Therefore, it has been classified as a Variant of Uncertain Significance. Experimental studies and prediction algorithms are not available or were not evaluated, and the functional significance of this variant is currently unknown. This variant has not been reported in the literature in individuals affected with SCN1B-related conditions. This variant is not present in population databases (gnomAD no frequency). This sequence change replaces glycine, which is neutral and non-polar, with valine, which is neutral and non-polar, at codon 2 of the SCN1B protein (p.Gly2Val).